The following is an entry in ClinVar:

NM_020975.6(RET):c.2550C>T (p.Asp850=)

Gene: RET (ret proto-oncogene; plus strand). Cytogenetic location: 10q11.21.
Variant type: single nucleotide variant.
Coding change: c.2550C>T on transcript NM_020975.6 (MANE Select); coding-DNA position 2550, C replaced by T.
Protein change: p.Asp850=; no amino-acid change (aspartic acid 850 retained).
Molecular consequence: synonymous variant.
Genome position (GRCh38, 1-based): chr10:43,119,688, C>T. VCF-style: chr10-43119688-C-T. GRCh37 (hg19) VCF-style: chr10-43615136-C-T.
Other names: c.2550C>T, p.Asp850= (NM_000323.2, NM_001406743.1, NM_001406744.1 and 4 more transcripts); c.1788C>T, p.Asp596= (NM_001355216.2); c.2421C>T, p.Asp807= (NM_001406761.1, NM_001406762.1, NM_001406764.1); c.2415C>T, p.Asp805= (NM_001406763.1, NM_001406765.1); c.2262C>T, p.Asp754= (NM_001406766.1, NM_001406767.1, NM_001406770.1); c.2286C>T, p.Asp762= (NM_001406768.1); c.2154C>T, p.Asp718= (NM_001406769.1, NM_001406772.1); c.2112C>T, p.Asp704= (NM_001406771.1, NM_001406773.1); and 10 more.
Identifiers: ClinVar variation 1532361 (VCV001532361.12), dbSNP rs1838163222, ClinGen allele CA469480125.

ClinVar aggregate classification (germline): Benign/Likely benign. Review status: criteria provided, multiple submitters, no conflicts (2 of 4 stars). 3 submissions from 3 submitters: Benign (1); Likely benign (2). Last evaluated 2025-02-27.

Conditions:
Hereditary cancer-predisposing syndrome. Also called: Hereditary Cancer Syndrome; Neoplastic Syndromes, Hereditary; Tumor predisposition; Hereditary neoplastic syndrome. Identifiers: Orphanet 140162, MedGen C0027672, MeSH D009386, MONDO:0015356.
Multiple endocrine neoplasia, type 2 (MEN2). Identifiers: Orphanet 653, MedGen C4048306, MONDO:0019003. Disease mechanism: gain of function.
Multiple endocrine neoplasia type 2A. Also called: MULTIPLE ENDOCRINE NEOPLASIA, TYPE IIA; PTC SYNDROME; SIPPLE SYNDROME; MEN 2A; MEN-2A syndrome; Pheochromocytoma and amyloid producing medullary thyroid carcinoma. Identifiers: Orphanet 247698, Orphanet 653, MedGen C0025268, MeSH D018813, MONDO:0008234, OMIM 171400.

Allele frequency attached by ClinVar (database versions not stated): gnomAD exomes below 0.00001.
gnomAD v4.1: 1 of 1,613,534 alleles (0.000062%); highest among the groups gnomAD compares: Non-Finnish European, 0.000085%; no homozygotes.

Submissions (3):

Myriad Genetics, Inc.
Classification: Benign for Multiple endocrine neoplasia type 2A. Last evaluated: 2025-02-27. Review status: criteria provided, single submitter. Criteria: Myriad Autosomal Dominant, Autosomal Recessive and X-Linked Classification Criteria (2023). Collection method: clinical testing. Allele origin: unknown.
Comment: This variant is considered benign. This variant is a silent/synonymous amino acid change and it is not expected to impact splicing.

Labcorp Genetics (formerly Invitae), Labcorp
Classification: Likely benign for Multiple endocrine neoplasia, type 2. Last evaluated: 2023-01-22. Review status: criteria provided, single submitter. Criteria: Invitae Variant Classification Sherloc (09022015). Collection method: clinical testing. Allele origin: germline.

Ambry Genetics
Classification: Likely benign for Hereditary cancer-predisposing syndrome. Last evaluated: 2021-07-05. Review status: criteria provided, single submitter. Criteria: Ambry Variant Classification Scheme 2023. Collection method: clinical testing. Allele origin: germline.